The following is an entry in ClinVar:

NM_001556.3(IKBKB):c.957G>A (p.Thr319=)

Gene: IKBKB (inhibitor of nuclear factor kappa B kinase subunit beta; plus strand). Cytogenetic location: 8p11.21.
Variant type: single nucleotide variant.
Coding change: c.957G>A on transcript NM_001556.3 (MANE Select); coding-DNA position 957, G replaced by A.
Protein change: p.Thr319=; no amino-acid change (threonine 319 retained).
Molecular consequence: synonymous variant. On other transcripts: non-coding transcript variant (3).
Genome position (GRCh38, 1-based): chr8:42,316,736, G>A. VCF-style: chr8-42316736-G-A. GRCh37 (hg19) VCF-style: chr8-42174254-G-A.
Other names: c.765G>A, p.Thr255= (NM_001190720.3); c.780G>A, p.Thr260= (NM_001242778.2); c.957G>A (NM_001556.2).
Identifiers: ClinVar variation 2140642 (VCV002140642.6), dbSNP rs70958392, ClinGen allele CA175968980.

ClinVar aggregate classification (germline): Likely benign. Review status: criteria provided, single submitter (1 of 4 stars). 2 submissions from 2 submitters: Likely benign (1). 1 of the submissions does not count toward it. Last evaluated 2025-11-19.

Conditions:
IKBKB-related disorder. Also called: IKBKB-related condition.
Severe combined immunodeficiency due to IKK2 deficiency. Also called: Immunodeficiency 15; IMMUNODEFICIENCY 15B. Identifiers: Orphanet 397787, MedGen C4747743, MONDO:0014267, OMIM 615592.

Allele frequency attached by ClinVar (database versions not stated): gnomAD 0.00002; TOPMed 0.00004; ESP Exome Variant Server 0.00008.
gnomAD v4.1: 40 of 1,613,278 alleles (0.0025%); highest among the groups gnomAD compares: African/African-American, 0.0053%; no homozygotes.

Submissions (2):

Labcorp Genetics (formerly Invitae), Labcorp
Classification: Likely benign for Severe combined immunodeficiency due to IKK2 deficiency. Last evaluated: 2025-11-19. Review status: criteria provided, single submitter. Criteria: Invitae Variant Classification Sherloc (09022015). Collection method: clinical testing. Allele origin: germline.

PreventionGenetics, part of Exact Sciences
Classification: Likely benign for IKBKB-related condition. Last evaluated: 2019-02-21. Review status: no assertion criteria provided. Collection method: clinical testing. Allele origin: germline. Not counted in ClinVar's aggregate classification.
Comment: This variant is classified as likely benign based on ACMG/AMP sequence variant interpretation guidelines (Richards et al. 2015 PMID: 25741868, with internal and published modifications).